The following is an entry in ClinVar:

NM_033305.3(VPS13A):c.269T>C (p.Ile90Thr)

Gene: VPS13A (vacuolar protein sorting 13 homolog A; plus strand). Cytogenetic location: 9q21.2.
Variant type: single nucleotide variant.
Coding change: c.269T>C on transcript NM_033305.3 (MANE Select); coding-DNA position 269, T replaced by C.
Protein change: p.Ile90Thr; replaces isoleucine 90 with threonine.
Molecular consequence: missense variant.
Genome position (GRCh38, 1-based): chr9:77,205,394, T>C. VCF-style: chr9-77205394-T-C. GRCh37 (hg19) VCF-style: chr9-79820310-T-C.
Other names: c.269T>C, p.Ile90Thr (NM_001018037.2, NM_001018038.3, NM_015186.4); short protein forms I90T.
Identifiers: ClinVar variation 4056971 (VCV004056971.1).

ClinVar aggregate classification (germline): Uncertain significance (1 of 4 stars; one submission).

gnomAD v4.1: 11 of 1,435,886 alleles (0.00077%); highest among the groups gnomAD compares: East Asian, 0.012%; no homozygotes.

Submission:

GeneDx
Classification: Uncertain significance. Last evaluated: 2025-01-09. Review status: criteria provided, single submitter. Criteria: GeneDx Variant Classification Process June 2021. Collection method: clinical testing. Allele origin: germline. Affected: yes.
Comment: In silico analysis supports that this missense variant has a deleterious effect on protein structure/function; Has not been previously published as pathogenic or benign to our knowledge